The following is an entry in ClinVar:

NM_004655.4(AXIN2):c.360G>A (p.Met120Ile)

Gene: AXIN2 (axin 2; minus strand). Cytogenetic location: 17q24.1.
Variant type: single nucleotide variant.
Coding change: c.360G>A on transcript NM_004655.4 (MANE Select); coding-DNA position 360, G replaced by A.
Protein change: p.Met120Ile; replaces methionine 120 with isoleucine.
Molecular consequence: missense variant.
Genome position (GRCh38, 1-based): chr17:65,558,261, C>T on the plus strand (G>A on the coding strand, the complement: AXIN2 is on the minus strand). VCF-style: chr17-65558261-C-T. GRCh37 (hg19) VCF-style: chr17-63554379-C-T.
Other names: c.360G>A, p.Met120Ile (NM_001363813.1); c.360G>A (LRG_296t1); short protein forms M120I.
Identifiers: ClinVar variation 570506 (VCV000570506.10), dbSNP rs1567769116, ClinGen allele CA400681565.

ClinVar aggregate classification (germline): Conflicting classifications of pathogenicity. Review status: criteria provided, conflicting classifications (1 of 4 stars). 2 submissions from 2 submitters: Uncertain significance (1); Likely benign (1). Last evaluated 2026-03-03.

Conditions:
Hereditary cancer-predisposing syndrome. Also called: Neoplastic Syndromes, Hereditary; Hereditary neoplastic syndrome; Tumor predisposition; Hereditary Cancer Syndrome. Identifiers: Orphanet 140162, MedGen C0027672, MeSH D009386, MONDO:0015356.
Oligodontia-cancer predisposition syndrome. Also called: TOOTH AGENESIS-COLORECTAL CANCER SYNDROME. Identifiers: Orphanet 300576, MedGen C1837750, MONDO:0012075, OMIM 608615. Disease mechanism: loss of function.

Submissions (2):

Ambry Genetics
Classification: Likely benign for Hereditary cancer-predisposing syndrome. Last evaluated: 2026-03-03. Review status: criteria provided, single submitter. Criteria: Ambry Variant Classification Scheme 2023. Collection method: clinical testing. Allele origin: germline.

Labcorp Genetics (formerly Invitae), Labcorp
Classification: Uncertain significance for Oligodontia-cancer predisposition syndrome. Last evaluated: 2025-03-23. Review status: criteria provided, single submitter. Criteria: Invitae Variant Classification Sherloc (09022015). Collection method: clinical testing. Allele origin: germline.
Comment: This sequence change replaces methionine, which is neutral and non-polar, with isoleucine, which is neutral and non-polar, at codon 120 of the AXIN2 protein (p.Met120Ile). This variant is not present in population databases (gnomAD no frequency). This variant has not been reported in the literature in individuals affected with AXIN2-related conditions. ClinVar contains an entry for this variant (Variation ID: 570506). Invitae Evidence Modeling of protein sequence and biophysical properties (such as structural, functional, and spatial information, amino acid conservation, physicochemical variation, residue mobility, and thermodynamic stability) has been performed for this missense variant. However, the output from this modeling did not meet the statistical confidence thresholds required to predict the impact of this variant on AXIN2 protein function. In summary, the available evidence is currently insufficient to determine the role of this variant in disease. Therefore, it has been classified as a Variant of Uncertain Significance.